The following is an entry in ClinVar:

NM_032273.4(TMEM126A):c.583del (p.His195fs)

Gene: TMEM126A (transmembrane protein 126A; plus strand). Cytogenetic location: 11q14.1.
Variant type: Deletion.
Coding change: c.583del on transcript NM_032273.4 (MANE Select); coding-DNA position 583, one base deleted (C; older notation c.583delC).
Protein change: p.His195fs; shifts the reading frame from histidine 195.
Molecular consequence: frameshift variant.
Genome position (GRCh38, 1-based): chr11:85,656,496, C deleted. VCF-style (leftmost placement, unchanged base first): chr11-85656495-TC-T. GRCh37 (hg19) VCF-style: chr11-85367539-TC-T.
Other names: c.373del, p.His125fs (NM_001244735.2); short protein forms H125fs, H195fs.
Identifiers: ClinVar variation 1019757 (VCV001019757.6), dbSNP rs1465166302, ClinGen allele CA600733177.

ClinVar aggregate classification (germline): Uncertain significance (1 of 4 stars; one submission).

Allele frequency attached by ClinVar (database versions not stated): gnomAD exomes below 0.00001; gnomAD 0.00003 and 0.00004; TOPMed 0.00003.

Submission:

Labcorp Genetics (formerly Invitae), Labcorp
Classification: Uncertain significance. Last evaluated: 2022-01-15. Review status: criteria provided, single submitter. Criteria: Invitae Variant Classification Sherloc (09022015). Collection method: clinical testing. Allele origin: germline.
Comment: This variant has not been reported in the literature in individuals affected with TMEM126A-related conditions. This variant is present in population databases (no rsID available, gnomAD 0.02%). This sequence change results in a frameshift in the TMEM126A gene (p.His195Thrfs*11). While this is not anticipated to result in nonsense mediated decay, it is expected to disrupt the last 1 amino acid(s) of the TMEM126A protein and extend the protein by 9 additional amino acid residues. ClinVar contains an entry for this variant (Variation ID: 1019757). In summary, the available evidence is currently insufficient to determine the role of this variant in disease. Therefore, it has been classified as a Variant of Uncertain Significance. Experimental studies and prediction algorithms are not available or were not evaluated, and the functional significance of this variant is currently unknown.